The following is an entry in ClinVar:

NM_020631.6(PLEKHG5):c.2749C>G (p.Gln917Glu)

Gene: PLEKHG5 (pleckstrin homology and RhoGEF domain containing G5; minus strand). Cytogenetic location: 1p36.31.
Variant type: single nucleotide variant.
Coding change: c.2749C>G on transcript NM_020631.6 (MANE Select); coding-DNA position 2749, C replaced by G.
Protein change: p.Gln917Glu; replaces glutamine 917 with glutamic acid.
Molecular consequence: missense variant. On other transcripts: intron variant (1).
Genome position (GRCh38, 1-based): chr1:6,468,087, G>C on the plus strand (C>G on the coding strand, the complement: PLEKHG5 is on the minus strand). VCF-style: chr1-6468087-G-C. GRCh37 (hg19) VCF-style: chr1-6528147-G-C.
Other names: c.2860C>G, p.Gln954Glu (NM_001042663.3, NM_001265592.2); c.2749C>G, p.Gln917Glu (NM_001042664.2, NM_001042665.2, NM_198681.4); c.2956C>G, p.Gln986Glu (NM_001265593.2); c.2737+12C>G (NM_001265594.3); short protein forms Q917E, Q954E, Q986E.
Identifiers: ClinVar variation 1052687 (VCV001052687.9), dbSNP rs910647086, ClinGen allele CA17233504.

ClinVar aggregate classification (germline): Uncertain significance (1 of 4 stars; one submission).

Conditions:
Neuronopathy, distal hereditary motor, autosomal recessive 4. Also called: NEUROPATHY, DISTAL HEREDITARY MOTOR, AUTOSOMAL RECESSIVE 4; Autosomal recessive lower motor neuron disease with childhood onset. Identifiers: Orphanet 206580, MedGen C1970211, MONDO:0012608, OMIM 611067.
Charcot-Marie-Tooth disease recessive intermediate C. Also called: CHARCOT-MARIE-TOOTH NEUROPATHY, RECESSIVE INTERMEDIATE C. Identifiers: Orphanet 369867, MedGen C3809309, MONDO:0014154, OMIM 615376.

Allele frequency attached by ClinVar (database versions not stated): gnomAD exomes below 0.00001.
gnomAD v4.1: 1 of 1,586,206 alleles (0.000063%); highest among the groups gnomAD compares: Non-Finnish European, 0.000086%; no homozygotes.

Submission:

Labcorp Genetics (formerly Invitae), Labcorp
Classification: Uncertain significance for Neuronopathy, distal hereditary motor, autosomal recessive 4; Charcot-Marie-Tooth disease recessive intermediate C. Last evaluated: 2020-06-18. Review status: criteria provided, single submitter. Criteria: Invitae Variant Classification Sherloc (09022015). Collection method: clinical testing. Allele origin: germline.
Comment: In summary, the available evidence is currently insufficient to determine the role of this variant in disease. Therefore, it has been classified as a Variant of Uncertain Significance. This sequence change replaces glutamine with glutamic acid at codon 917 of the PLEKHG5 protein (p.Gln917Glu). The glutamine residue is weakly conserved and there is a small physicochemical difference between glutamine and glutamic acid. This variant is not present in population databases (ExAC no frequency). This variant has not been reported in the literature in individuals with PLEKHG5-related conditions. Algorithms developed to predict the effect of missense changes on protein structure and function (SIFT, PolyPhen-2, Align-GVGD) all suggest that this variant is likely to be tolerated, but these predictions have not been confirmed by published functional studies and their clinical significance is uncertain.